The following is an entry in ClinVar:

NM_000051.4(ATM):c.3456_3457delinsGT (p.Val1153Phe)

Gene: ATM (ATM serine/threonine kinase; plus strand). Cytogenetic location: 11q22.3.
Variant type: Indel.
Coding change: c.3456_3457delinsGT on transcript NM_000051.4 (MANE Select); coding-DNA positions 3456 to 3457, TG replaced by GT.
Protein change: p.Val1153Phe; replaces valine 1153 with phenylalanine.
Molecular consequence: missense variant.
Genome position (GRCh38, 1-based): chr11:108,281,048-108,281,049, TG replaced by GT. VCF-style: chr11-108281048-TG-GT. GRCh37 (hg19) VCF-style: chr11-108151775-TG-GT.
Other names: c.3456_3457delinsGT, p.Val1153Phe (NM_001351834.2); short protein forms V1153F.
Identifiers: ClinVar variation 4720423 (VCV004720423.1).
Genomic context (GRCh38, chr11:108,281,048, plus strand): 5'-TTTTAAGTCCCATAGTGCTGAGAACCCTGAAACTTTGGATGAAATTTATAATAGAAAATC[TG>GT]TTTTACTGACGTTGATAGCTGTGGTTTTATCCTGTAGCCCTATCTGCGAAAAACAGGCTT-3'
Protein context (NP_000042.3, residues 1143-1163): TLDEIYNRKS[Val1153Phe]LLTLIAVVLS

ClinVar aggregate classification (germline): Uncertain significance (1 of 4 stars; one submission).

Conditions:
Ataxia-telangiectasia syndrome (AT). Also called: ATAXIA-TELANGIECTASIA, COMPLEMENTATION GROUP A; ATAXIA-TELANGIECTASIA, FRESNO VARIANT; Ataxia-telangiectasia; LOUIS-BAR SYNDROME; Cerebello-oculocutaneous telangiectasia; Immunodeficiency with ataxia telangiectasia. Identifiers: Orphanet 100, MedGen C0004135, MONDO:0008840, OMIM 208900.

Submission:

Labcorp Genetics (formerly Invitae), Labcorp
Classification: Uncertain significance for Ataxia-telangiectasia syndrome. Last evaluated: 2025-07-03. Review status: criteria provided, single submitter. Criteria: Invitae Variant Classification Sherloc (09022015). Collection method: clinical testing. Allele origin: germline.
Comment: This sequence change replaces valine, which is neutral and non-polar, with phenylalanine, which is neutral and non-polar, at codon 1153 of the ATM protein (p.Val1153Phe). Information on the frequency of this variant in the gnomAD database is not available, as this variant may be reported differently in the database. This variant has not been reported in the literature in individuals affected with ATM-related conditions. Experimental studies and prediction algorithms are not available or were not evaluated, and the functional significance of this variant is currently unknown. In summary, the available evidence is currently insufficient to determine the role of this variant in disease. Therefore, it has been classified as a Variant of Uncertain Significance.